The following is an entry in ClinVar:

ClinVar aggregate classification (germline): Uncertain significance. Review status: criteria provided, multiple submitters, no conflicts (2 of 4 stars). 4 submissions from 4 submitters: Uncertain significance (4). Last evaluated 2025-07-15.

Conditions:
Malignant hyperthermia, susceptibility to, 1 (MHS1). Also called: Anesthesia related hyperthermia; Malignant hyperpyrexia; Fulminating hyperpyrexia; Pharmacogenic myopathy; Malignant hyperthermia suceptibility 1; RYR1-Related Malignant Hyperthermia Susceptibility. Identifiers: Orphanet 423, MedGen C2930980, MONDO:0007783, OMIM 145600.
RYR1-related disorder. Also called: RYR1-related disorders; RYR1-related condition. Identifiers: MedGen CN239331.

Allele frequency attached by ClinVar (database versions not stated): TOPMed below 0.00001; gnomAD 0.00001; ExAC 0.00002; 1000 Genomes Project 30x 0.00016; 1000 Genomes Project 0.00020.
gnomAD v4.1: 13 of 1,613,900 alleles (0.00081%); highest among the groups gnomAD compares: African/African-American, 0.0053%; no homozygotes.

Submissions (4):

Color Diagnostics, LLC DBA Color Health
Classification: Uncertain significance for Malignant hyperthermia, susceptibility to, 1. Last evaluated: 2025-07-15. Review status: criteria provided, single submitter. Criteria: ACMG Guidelines, 2015. Collection method: clinical testing. Allele origin: germline.
Comment: This missense variant replaces arginine with glutamine at codon 3550 of the RYR1 protein. Computational prediction is inconclusive regarding the impact of this variant on protein structure and function. To our knowledge, functional studies have not been reported for this variant. This variant has not been reported in individuals affected with RYR1-related disorders in the literature. This variant has been identified in 4/251408 chromosomes in the general population by the Genome Aggregation Database (gnomAD). The available evidence is insufficient to determine the role of this variant in disease conclusively. Therefore, this variant is classified as a Variant of Uncertain Significance.

Labcorp Genetics (formerly Invitae), Labcorp
Classification: Uncertain significance for RYR1-related disorder. Last evaluated: 2024-04-22. Review status: criteria provided, single submitter. Criteria: Invitae Variant Classification Sherloc (09022015). Collection method: clinical testing. Allele origin: germline.
Comment: This sequence change replaces arginine, which is basic and polar, with glutamine, which is neutral and polar, at codon 3550 of the RYR1 protein (p.Arg3550Gln). This variant is present in population databases (rs548673909, gnomAD 0.007%). This variant has not been reported in the literature in individuals affected with RYR1-related conditions. ClinVar contains an entry for this variant (Variation ID: 2435619). Advanced modeling of protein sequence and biophysical properties (such as structural, functional, and spatial information, amino acid conservation, physicochemical variation, residue mobility, and thermodynamic stability) has been performed at Invitae for this missense variant, however the output from this modeling did not meet the statistical confidence thresholds required to predict the impact of this variant on RYR1 protein function. This variant disrupts the p.Arg3550 amino acid residue in RYR1. Other variant(s) that disrupt this residue have been determined to be pathogenic (PMID: 29178655, 31135626). This suggests that this residue is clinically significant, and that variants that disrupt this residue are likely to be disease-causing. In summary, the available evidence is currently insufficient to determine the role of this variant in disease. Therefore, it has been classified as a Variant of Uncertain Significance.

All of Us Research Program, National Institutes of Health
Classification: Uncertain significance for Malignant hyperthermia, susceptibility to, 1. Last evaluated: 2023-12-13. Review status: criteria provided, single submitter. Criteria: ACMG Guidelines, 2015. Collection method: clinical testing. Allele origin: germline. Inheritance: Autosomal dominant inheritance. Observed: 4 variant alleles, 4 heterozygotes.
Comment: This missense variant replaces arginine with glutamine at codon 3550 of the RYR1 protein. Computational prediction is inconclusive regarding the impact of this variant on protein structure and function (internally defined REVEL score threshold 0.5 < inconclusive < 0.7, PMID: 27666373). To our knowledge, functional studies have not been reported for this variant. This variant has not been reported in individuals affected with RYR1-related disorders in the literature. This variant has been identified in 4/251408 chromosomes in the general population by the Genome Aggregation Database (gnomAD). The available evidence is insufficient to determine the role of this variant in disease conclusively. Therefore, this variant is classified as a Variant of Uncertain Significance.

This study involves interpretation of variants in research participants for the purpose of population health screening. Participant phenotype was not available at the time of variant classification. Additional details can be found in publication PMID: 35346344, PMCID: PMC8962531

Revvity Omics, Revvity
Classification: Uncertain significance. Last evaluated: 2021-06-24. Review status: criteria provided, single submitter. Criteria: ACMG Guidelines, 2015. Collection method: clinical testing. Allele origin: germline.

Literature cited by the submitters: PubMed 29178655 (cited by Labcorp Genetics (formerly Invitae), Labcorp); PubMed 31135626 (cited by Labcorp Genetics (formerly Invitae), Labcorp).

NM_000540.3(RYR1):c.10649G>A (p.Arg3550Gln)

Gene: RYR1 (ryanodine receptor 1; plus strand). Cytogenetic location: 19q13.2.
Variant type: single nucleotide variant.
Coding change: c.10649G>A on transcript NM_000540.3 (MANE Select); coding-DNA position 10649, G replaced by A.
Protein change: p.Arg3550Gln; replaces arginine 3550 with glutamine.
Molecular consequence: missense variant.
Genome position (GRCh38, 1-based): chr19:38,527,015, G>A. VCF-style: chr19-38527015-G-A. GRCh37 (hg19) VCF-style: chr19-39017655-G-A.
Other names: c.10634G>A, p.Arg3545Gln (NM_001042723.2); short protein forms R3545Q, R3550Q.
Identifiers: ClinVar variation 2435619 (VCV002435619.8), dbSNP rs548673909, ClinGen allele CA054289.